The following is an entry in ClinVar:

ClinVar aggregate classification (germline): Uncertain significance (1 of 4 stars; one submission).

gnomAD v4.1: 9 of 1,613,718 alleles (0.00056%); highest among the groups gnomAD compares: Non-Finnish European, 0.00076%; no homozygotes.

Submission:

Labcorp Genetics (formerly Invitae), Labcorp
Classification: Uncertain significance. Last evaluated: 2025-12-24. Review status: criteria provided, single submitter. Criteria: Invitae Variant Classification Sherloc (09022015). Collection method: clinical testing. Allele origin: germline.
Comment: This sequence change replaces cysteine, which is neutral and slightly polar, with tyrosine, which is neutral and polar, at codon 186 of the KLF11 protein (p.Cys186Tyr). This variant is present in population databases (rs762129130, gnomAD 0.0009%). This variant has not been reported in the literature in individuals affected with KLF11-related conditions. An algorithm developed to predict the effect of missense changes on protein structure and function (PolyPhen-2) suggests that this variant is likely to be tolerated. In summary, the available evidence is currently insufficient to determine the role of this variant in disease. Therefore, it has been classified as a Variant of Uncertain Significance.

NM_003597.5(KLF11):c.557G>A (p.Cys186Tyr)

Gene: KLF11 (KLF transcription factor 11; plus strand). Cytogenetic location: 2p25.1.
Variant type: single nucleotide variant.
Coding change: c.557G>A on transcript NM_003597.5 (MANE Select); coding-DNA position 557, G replaced by A.
Protein change: p.Cys186Tyr; replaces cysteine 186 with tyrosine.
Molecular consequence: missense variant.
Genome position (GRCh38, 1-based): chr2:10,047,894, G>A. VCF-style: chr2-10047894-G-A. GRCh37 (hg19) VCF-style: chr2-10188021-G-A.
Other names: c.506G>A, p.Cys169Tyr (NM_001177716.2, NM_001177718.2); short protein forms C169Y, C186Y.
Identifiers: ClinVar variation 4734087 (VCV004734087.1).